The following is an entry in ClinVar:

ClinVar aggregate classification (germline): Pathogenic/Likely pathogenic. Review status: criteria provided, multiple submitters, no conflicts (2 of 4 stars). 3 submissions from 3 submitters: Pathogenic (1); Likely pathogenic (2). Last evaluated 2022-11-15.

Conditions:
BEST1-related disorder. Also called: BEST1-related disorders; BEST1-related condition. Identifiers: MedGen CN239200.
Vitelliform macular dystrophy 2. Also called: Best Macular Dystrophy; Best vitelliform macular dystrophy, multifocal; Best Vitelliform Macular Dystrophy (BVMD); MACULAR DEGENERATION, POLYMORPHIC VITELLINE; VITELLIFORM MACULAR DYSTROPHY, EARLY-ONSET; VITELLIFORM MACULAR DYSTROPHY, JUVENILE-ONSET. Identifiers: Orphanet 1243, MedGen C2745945, MONDO:0007931, OMIM 153700.

Submissions (3):

Labcorp Genetics (formerly Invitae), Labcorp
Classification: Likely pathogenic. Last evaluated: 2022-11-15. Review status: criteria provided, single submitter. Criteria: Invitae Variant Classification Sherloc (09022015). Collection method: clinical testing. Allele origin: germline.
Comment: In summary, the currently available evidence indicates that the variant is pathogenic, but additional data are needed to prove that conclusively. Therefore, this variant has been classified as Likely Pathogenic. This variant disrupts the p.Tyr29 amino acid residue in BEST1. Other variant(s) that disrupt this residue have been observed in individuals with BEST1-related conditions (PMID: 14517959), which suggests that this may be a clinically significant amino acid residue. Advanced modeling of protein sequence and biophysical properties (such as structural, functional, and spatial information, amino acid conservation, physicochemical variation, residue mobility, and thermodynamic stability) performed at Invitae indicates that this missense variant is expected to disrupt BEST1 protein function. ClinVar contains an entry for this variant (Variation ID: 623293). This missense change has been observed in individuals with autosomal dominant childhood-onset Best macular degeneration (PMID: 31570112; Invitae). This variant is not present in population databases (gnomAD no frequency). This sequence change replaces tyrosine, which is neutral and polar, with cysteine, which is neutral and slightly polar, at codon 29 of the BEST1 protein (p.Tyr29Cys).

Blueprint Genetics
Classification: Pathogenic for BEST1-related disorders. Last evaluated: 2022-06-10. Review status: criteria provided, single submitter. Criteria: ACMG Guidelines, 2015. Collection method: clinical testing. Allele origin: germline. Affected: yes. Observed: 3 variant alleles.

Department of Genetics, Sultan Qaboos University Hospital
Classification: Likely pathogenic for Vitelliform macular dystrophy 2. Last evaluated: 2017-12-30. Review status: criteria provided, single submitter. Criteria: ACMG Guidelines, 2015. Collection method: curation. Allele origin: unknown. Affected: yes.

Literature cited by the submitters: PubMed 14517959 (cited by Labcorp Genetics (formerly Invitae), Labcorp); PubMed 31570112 (cited by Labcorp Genetics (formerly Invitae), Labcorp).

NM_004183.4(BEST1):c.86A>G (p.Tyr29Cys)

Gene: BEST1 (bestrophin 1; plus strand). Cytogenetic location: 11q12.3.
Variant type: single nucleotide variant.
Coding change: c.86A>G on transcript NM_004183.4 (MANE Select); coding-DNA position 86, A replaced by G.
Protein change: p.Tyr29Cys; replaces tyrosine 29 with cysteine.
Molecular consequence: missense variant. On other transcripts: non-coding transcript variant (1), intron variant (6).
Genome position (GRCh38, 1-based): chr11:61,951,892, A>G. VCF-style: chr11-61951892-A-G. GRCh37 (hg19) VCF-style: chr11-61719364-A-G.
Other names: c.86A>G, p.Tyr29Cys (NM_001363592.2, NM_001440571.1, NM_001440572.1 and 1 more transcripts); c.-29+1465A>G (NM_001139443.3, NM_001300787.2, NM_001440574.1 and 3 more transcripts); short protein forms Y29C.
Identifiers: ClinVar variation 623293 (VCV000623293.12), dbSNP rs1565382549, ClinGen allele CA380831624.
Genomic context (GRCh38, chr11:61,951,892, plus strand): 5'-TGGCTAATGCCCGCTTAGGCTCCTTCTCCCGCCTGCTGCTGTGCTGGCGGGGCAGCATCT[A>G]CAAGCTGCTATATGGCGAGTTCTTAATCTTCCTGCTCTGCTACTACATCATCCGCTTTAT-3'
Protein context (NP_004174.1, residues 19-39): RLLLCWRGSI[Tyr29Cys]KLLYGEFLIF